The following is an entry in ClinVar:

NM_000088.4(COL1A1):c.3815G>T (p.Gly1272Val)

Gene: COL1A1 (collagen type I alpha 1 chain; minus strand). Cytogenetic location: 17q21.33.
Variant type: single nucleotide variant.
Coding change: c.3815G>T on transcript NM_000088.4 (MANE Select); coding-DNA position 3815, G replaced by T.
Protein change: p.Gly1272Val; replaces glycine 1272 with valine.
Molecular consequence: missense variant.
Genome position (GRCh38, 1-based): chr17:50,186,507, C>A on the plus strand (G>T on the coding strand, the complement: COL1A1 is on the minus strand). VCF-style: chr17-50186507-C-A. GRCh37 (hg19) VCF-style: chr17-48263868-C-A.
Other names: c.3815G>T (LRG_1t1); short protein forms G1272V.
Identifiers: ClinVar variation 425626 (VCV000425626.12), dbSNP rs1114167402, ClinGen allele CA400194038.
Genomic context (GRCh38, chr17:50,186,507, plus strand): 5'-TTGCAGAAGACTTTGATGGCATCCAGGTTGCAGCCTTGGTTGGGGTCAATCCAGTACTCT[C>A]CTGTGGTAGGGCAGGGCAAGATGGAGTCAGGGAAAGGGAGCAGCCAGCACCATATGGTAG-3'
Protein context (NP_000079.2, residues 1262-1282): LKMCHSDWKS[Gly1272Val]EYWIDPNQGC

ClinVar aggregate classification (germline): Pathogenic/Likely pathogenic. Review status: criteria provided, multiple submitters, no conflicts (2 of 4 stars). 4 submissions from 3 submitters: Pathogenic (1); Likely pathogenic (1). 2 of the submissions do not count toward it. Last evaluated 2024-04-11.

Conditions:
Osteogenesis imperfecta with normal sclerae, dominant form (OI4). Also called: OSTEOGENESIS IMPERFECTA WITH NORMAL SCLERAE; Osteogenesis Imperfecta Type IV; Osteogenesis imperfecta type 4; Common Variable Osteogenesis Imperfecta with Normal Sclerae; OSTEOGENESIS IMPERFECTA, TYPE IV, WITH DENTINOGENESIS IMPERFECTA. Identifiers: Orphanet 216820, Orphanet 666, MedGen C0268363, MONDO:0008148, OMIM 166220.
Osteogenesis imperfecta type I (OI1). Also called: OI, TYPE I; OSTEOGENESIS IMPERFECTA TARDA; OSTEOGENESIS IMPERFECTA WITH BLUE SCLERAE; Lobstein disease; Osteogenesis imperfecta type 1; Classic Non-deforming Osteogenesis Imperfecta with Blue Sclerae. Identifiers: Orphanet 216796, Orphanet 666, MedGen C0023931, MONDO:0008146, OMIM 166200. Disease mechanism: loss of function.

Submissions (4):

GeneDx
Classification: Likely pathogenic. Last evaluated: 2024-04-11. Review status: criteria provided, single submitter. Criteria: GeneDx Variant Classification Process June 2021. Collection method: clinical testing. Allele origin: germline.
Comment: Not observed at significant frequency in large population cohorts (gnomAD); In silico analysis supports that this missense variant has a deleterious effect on protein structure/function; In silico analysis supports a deleterious effect on splicing; Not located in the triple helical region, where the majority of pathogenic missense variants occur (HGMD); This variant is associated with the following publications: (PMID: 25146735, 27510842, 31414283, 25944380)

Labcorp Genetics (formerly Invitae), Labcorp
Classification: Pathogenic for Osteogenesis imperfecta type I. Last evaluated: 2020-08-25. Review status: criteria provided, single submitter. Criteria: Invitae Variant Classification Sherloc (09022015). Collection method: clinical testing. Allele origin: germline.
Comment: For these reasons, this variant has been classified as Pathogenic. Algorithms developed to predict the effect of sequence changes on RNA splicing suggest that this variant may disrupt the consensus splice site, but this prediction has not been confirmed by published transcriptional studies. Algorithms developed to predict the effect of missense changes on protein structure and function are either unavailable or do not agree on the potential impact of this missense change (SIFT: "Deleterious"; PolyPhen-2: "Not Available"; Align-GVGD: "Class C0"). This variant has been observed in individuals with osteogenesis imperfecta type I or IV (PMID: 25146735, 31414283, 25944380, 27510842). ClinVar contains an entry for this variant (Variation ID: 425626). This variant is not present in population databases (ExAC no frequency). This sequence change replaces glycine with valine at codon 1272 of the COL1A1 protein (p.Gly1272Val). The glycine residue is highly conserved and there is a moderate physicochemical difference between glycine and valine.

Department of Medical Sciences, Uppsala University
Classification: Pathogenic for OI type I. Review status: no assertion criteria provided. Collection method: clinical testing. Allele origin: maternal. Affected: yes. Observed: 1 variant allele. Not counted in ClinVar's aggregate classification.

Department of Medical Sciences, Uppsala University
Classification: Pathogenic for OI type IV. Review status: no assertion criteria provided. Collection method: clinical testing. Allele origin: maternal. Affected: yes. Observed: 1 variant allele. Not counted in ClinVar's aggregate classification.

Literature cited by the submitters: PubMed 25146735 (cited by Labcorp Genetics (formerly Invitae), Labcorp); PubMed 31414283 (cited by Labcorp Genetics (formerly Invitae), Labcorp); PubMed 25944380 (cited by Labcorp Genetics (formerly Invitae), Labcorp and Department of Medical Sciences, Uppsala University); PubMed 27510842 (cited by Labcorp Genetics (formerly Invitae), Labcorp).